The following is an entry in ClinVar:

ClinVar aggregate classification (germline): Uncertain significance. Review status: criteria provided, single submitter (1 of 4 stars). 2 submissions from 2 submitters: Uncertain significance (1). 1 of the submissions does not count toward it. Last evaluated 2022-07-03.

Conditions:
NACC1-related disorder. Also called: NACC1-related condition.

Allele frequency attached by ClinVar (database versions not stated): ExAC 0.00002.
gnomAD v4.1: 8 of 1,614,102 alleles (0.0005%); highest among the groups gnomAD compares: South Asian, 0.0033%; no homozygotes.

Submissions (2):

Labcorp Genetics (formerly Invitae), Labcorp
Classification: Uncertain significance. Last evaluated: 2022-07-03. Review status: criteria provided, single submitter. Criteria: Invitae Variant Classification Sherloc (09022015). Collection method: clinical testing. Allele origin: germline.
Comment: This sequence change replaces proline, which is neutral and non-polar, with leucine, which is neutral and non-polar, at codon 501 of the NACC1 protein (p.Pro501Leu). This variant is present in population databases (rs777255536, gnomAD 0.006%). In summary, the available evidence is currently insufficient to determine the role of this variant in disease. Therefore, it has been classified as a Variant of Uncertain Significance. Algorithms developed to predict the effect of missense changes on protein structure and function are either unavailable or do not agree on the potential impact of this missense change (SIFT: "Deleterious"; PolyPhen-2: "Benign"; Align-GVGD: "Class C0"). This variant has not been reported in the literature in individuals affected with NACC1-related conditions.

PreventionGenetics, part of Exact Sciences
Classification: Uncertain significance for NACC1-related condition. Last evaluated: 2024-07-03. Review status: no assertion criteria provided. Collection method: clinical testing. Allele origin: germline. Not counted in ClinVar's aggregate classification.
Comment: The NACC1 c.1502C>T variant is predicted to result in the amino acid substitution p.Pro501Leu. To our knowledge, this variant has not been reported in the literature. This variant is reported in 0.0054% of alleles in individuals of East Asian descent in gnomAD. At this time, the clinical significance of this variant is uncertain due to the absence of conclusive functional and genetic evidence.

NM_052876.4(NACC1):c.1502C>T (p.Pro501Leu)

Gene: NACC1 (nucleus accumbens associated 1; plus strand). Cytogenetic location: 19p13.13.
Variant type: single nucleotide variant.
Coding change: c.1502C>T on transcript NM_052876.4 (MANE Select); coding-DNA position 1502, C replaced by T.
Protein change: p.Pro501Leu; replaces proline 501 with leucine.
Molecular consequence: missense variant.
Genome position (GRCh38, 1-based): chr19:13,138,324, C>T. VCF-style: chr19-13138324-C-T. GRCh37 (hg19) VCF-style: chr19-13249138-C-T.
Other names: c.1502C>T (NM_052876.3); short protein forms P501L.
Identifiers: ClinVar variation 2177009 (VCV002177009.5), dbSNP rs777255536, ClinGen allele CA9238541.